The following is an entry in ClinVar:

ClinVar aggregate classification (germline): Likely benign (1 of 4 stars; one submission).

Allele frequency attached by ClinVar (database versions not stated): 1000 Genomes Project 0.00060; gnomAD 0.00113; TOPMed 0.00158.

Submission:

CeGaT Center for Human Genetics Tuebingen
Classification: Likely benign. Last evaluated: 2023-02-01. Review status: criteria provided, single submitter. Criteria: CeGaT Center For Human Genetics Tuebingen Variant Classification Criteria Version 2. Collection method: clinical testing. Allele origin: germline. Affected: yes. Observed: 2 variant alleles.
Comment: FOXP1: BS1

NM_001349338.3(FOXP1):c.869+943G>C

Gene: FOXP1 (forkhead box P1; minus strand). Cytogenetic location: 3p13.
Variant type: single nucleotide variant.
Coding change: c.869+943G>C on transcript NM_001349338.3 (MANE Select); 943 bases into the intron after coding-DNA position 869, G replaced by C.
Molecular consequence: intron variant.
Genome position (GRCh38, 1-based): chr3:71,040,385, C>G on the plus strand (G>C on the coding strand, the complement: FOXP1 is on the minus strand). VCF-style: chr3-71040385-C-G. GRCh37 (hg19) VCF-style: chr3-71089536-C-G.
Other names: c.869+943G>C (NM_001244810.2, NM_032682.6, NM_001349340.3 and 3 more transcripts); c.866+943G>C (NM_001349341.3); c.641+943G>C (NM_001244812.3); c.566+943G>C (NM_001349343.3, NM_001349337.2, NM_001349344.3); c.569+943G>C (NM_001349342.3, NM_001370548.1, NM_001244815.2 and 1 more transcripts).
Identifiers: ClinVar variation 2498934 (VCV002498934.28), dbSNP rs188660148, ClinGen allele CA77117635.